The following is an entry in ClinVar:

NM_004517.4(ILK):c.688A>G (p.Arg230Gly)

Genes: TAF10 (TATA-box binding protein associated factor 10; minus strand), ILK (integrin linked kinase; plus strand). Cytogenetic location: 11p15.4.
Variant type: single nucleotide variant.
Coding change: c.688A>G on transcript NM_004517.4 (MANE Select); coding-DNA position 688, A replaced by G.
Protein change: p.Arg230Gly; replaces arginine 230 with glycine.
Molecular consequence: missense variant. On other transcripts: 3 prime UTR variant (1).
Genome position (GRCh38, 1-based): chr11:6,609,368, A>G. VCF-style: chr11-6609368-A-G. GRCh37 (hg19) VCF-style: chr11-6630599-A-G.
Other names: c.688A>G, p.Arg230Gly (NM_001014794.3, NM_001014795.3); c.505A>G, p.Arg169Gly (NM_001278441.2); c.286A>G, p.Arg96Gly (NM_001278442.2); c.*1554T>C (NM_006284.4); short protein forms R230G, R169G, R96G.
Identifiers: ClinVar variation 3693275 (VCV003693275.2).

ClinVar aggregate classification (germline): Uncertain significance (1 of 4 stars; one submission).

Conditions:
Primary familial hypertrophic cardiomyopathy (HCM). Identifiers: Orphanet 99739, MedGen C0949658, MeSH D024741, MONDO:0024573. Inheritance: Various modes of inheritance.

Submission:

Labcorp Genetics (formerly Invitae), Labcorp
Classification: Uncertain significance for Primary familial hypertrophic cardiomyopathy. Last evaluated: 2024-10-15. Review status: criteria provided, single submitter. Criteria: Invitae Variant Classification Sherloc (09022015). Collection method: clinical testing. Allele origin: germline.
Comment: This sequence change replaces arginine, which is basic and polar, with glycine, which is neutral and non-polar, at codon 230 of the ILK protein (p.Arg230Gly). This variant is not present in population databases (gnomAD no frequency). This variant has not been reported in the literature in individuals affected with ILK-related conditions. An algorithm developed to predict the effect of missense changes on protein structure and function (PolyPhen-2) suggests that this variant is likely to be tolerated. In summary, the available evidence is currently insufficient to determine the role of this variant in disease. Therefore, it has been classified as a Variant of Uncertain Significance.